The following is an entry in ClinVar:

ClinVar aggregate classification (germline): Uncertain significance. Review status: criteria provided, single submitter (1 of 4 stars). 3 submissions from 3 submitters: Uncertain significance (1). 2 of the submissions do not count toward it. Last evaluated 2025-01-14.

Conditions:
Dilated cardiomyopathy 1O (CMD1O). Also called: CARDIOMYOPATHY, DILATED, WITH VENTRICULAR TACHYCARDIA. Identifiers: Orphanet 154, MedGen C1837839, MONDO:0012062, OMIM 608569.

Allele frequency attached by ClinVar (database versions not stated): gnomAD exomes below 0.00001 and 0.00001.
gnomAD v4.1: 22 of 1,613,684 alleles (0.0014%); highest among the groups gnomAD compares: Non-Finnish European, 0.0018%; no homozygotes.

Submissions (3):

Labcorp Genetics (formerly Invitae), Labcorp
Classification: Uncertain significance for Dilated cardiomyopathy 1O. Last evaluated: 2025-01-14. Review status: criteria provided, single submitter. Criteria: Invitae Variant Classification Sherloc (09022015). Collection method: clinical testing. Allele origin: germline.
Comment: This sequence change replaces alanine, which is neutral and non-polar, with valine, which is neutral and non-polar, at codon 825 of the ABCC9 protein (p.Ala825Val). This variant is present in population databases (no rsID available, gnomAD 0.0009%). This variant has not been reported in the literature in individuals affected with ABCC9-related conditions. ClinVar contains an entry for this variant (Variation ID: 967398). Invitae Evidence Modeling of protein sequence and biophysical properties (such as structural, functional, and spatial information, amino acid conservation, physicochemical variation, residue mobility, and thermodynamic stability) has been performed for this missense variant. However, the output from this modeling did not meet the statistical confidence thresholds required to predict the impact of this variant on ABCC9 protein function. In summary, the available evidence is currently insufficient to determine the role of this variant in disease. Therefore, it has been classified as a Variant of Uncertain Significance.

Diagnostic Laboratory, Department of Genetics, University Medical Center Groningen
Classification: Uncertain significance. Review status: no assertion criteria provided. Collection method: clinical testing. Allele origin: germline. Affected: yes. Study: VKGL Data-share Consensus. Not counted in ClinVar's aggregate classification.

Genome Diagnostics Laboratory, University Medical Center Utrecht
Classification: Uncertain significance. Review status: no assertion criteria provided. Collection method: clinical testing. Allele origin: germline. Affected: yes. Study: VKGL Data-share Consensus. Not counted in ClinVar's aggregate classification.

NM_020297.4(ABCC9):c.2474C>T (p.Ala825Val)

Gene: ABCC9 (ATP binding cassette subfamily C member 9; minus strand). Cytogenetic location: 12p12.1.
Variant type: single nucleotide variant.
Coding change: c.2474C>T on transcript NM_020297.4 (MANE Select); coding-DNA position 2474, C replaced by T.
Protein change: p.Ala825Val; replaces alanine 825 with valine.
Molecular consequence: missense variant.
Genome position (GRCh38, 1-based): chr12:21,859,617, G>A on the plus strand (C>T on the coding strand, the complement: ABCC9 is on the minus strand). VCF-style: chr12-21859617-G-A. GRCh37 (hg19) VCF-style: chr12-22012551-G-A.
Other names: c.2474C>T, p.Ala825Val (NM_001377273.1, NM_005691.4); c.1607C>T, p.Ala536Val (NM_001377274.1); short protein forms A536V, A825V.
Identifiers: ClinVar variation 967398 (VCV000967398.9), dbSNP rs964127282, ClinGen allele CA233604114.